The following is an entry in ClinVar:

ClinVar aggregate classification (germline): Benign. Review status: criteria provided, multiple submitters, no conflicts (2 of 4 stars). 3 submissions from 3 submitters: Benign (3). Last evaluated 2024-07-31.

Conditions:
Developmental and epileptic encephalopathy, 30 (DEE30). Also called: Epileptic encephalopathy, early infantile, 30. Identifiers: MedGen C4225360, MONDO:0014595, OMIM 616341.

Allele frequency attached by ClinVar (database versions not stated): 1000 Genomes Project 0.41514; gnomAD exomes 0.32441; ExAC 0.34519; ESP Exome Variant Server 0.39487.

Submissions (3):

Unidad de Genómica Garrahan, Hospital de Pediatría Garrahan
Classification: Benign. Last evaluated: 2024-07-31. Review status: criteria provided, single submitter. Criteria: ACMG Guidelines, 2015. Collection method: clinical testing. Allele origin: germline. Affected: no. Observed: 30 variant alleles.
Comment: This variant is classified as Benign based on local population frequency. This variant was detected in 32% of patients studied in a panel designed for Epileptic and Developmental Encephalopathy, Progressive Myoclonus Epilepsy and Abnormal Movements and Neurodegeneration with brain iron accumulation. Number of patients: 30. Only high quality variants are reported.

Genome-Nilou Lab
Classification: Benign for Developmental and epileptic encephalopathy, 30. Last evaluated: 2021-07-15. Review status: criteria provided, single submitter. Criteria: ACMG Guidelines, 2015. Collection method: clinical testing. Allele origin: germline. Affected: no.

Breakthrough Genomics
Classification: Benign. Review status: criteria provided, single submitter. Criteria: ACMG Guidelines, 2015. Collection method: not provided. Allele origin: germline. Inheritance: Autosomal dominant inheritance. Affected: yes.

NM_173354.5(SIK1):c.749-45C>G

Gene: SIK1 (salt inducible kinase 1; minus strand). Cytogenetic location: 21q22.3.
Variant type: single nucleotide variant.
Coding change: c.749-45C>G on transcript NM_173354.5 (MANE Select); 45 bases into the intron before coding-DNA position 749, C replaced by G.
Molecular consequence: intron variant.
Genome position (GRCh38, 1-based): chr21:43,420,502, G>C on the plus strand (C>G on the coding strand, the complement: SIK1 is on the minus strand). VCF-style: chr21-43420502-G-C. GRCh37 (hg19) VCF-style: chr21-44840382-G-C.
Identifiers: ClinVar variation 1332956 (VCV001332956.5), dbSNP rs657978, ClinGen allele CA321327020.
Genomic context (GRCh38, chr21:43,420,502, plus strand): 5'-ATCAGGCTCTCACAGTCTGTGGAGGGGCCAGGAGGCTGAGCCAGGGCGGCCGGGACCTCG[G>C]CTGCGCTCCCACCCACCGCCCCACGTGGTTTGACACGCCAGGGCCCAGGAGCAGGGGCCG-3'